The following is an entry in ClinVar:

NM_000213.5(ITGB4):c.2674C>T (p.Arg892Cys)

Gene: ITGB4 (integrin subunit beta 4; plus strand). Cytogenetic location: 17q25.1.
Variant type: single nucleotide variant.
Coding change: c.2674C>T on transcript NM_000213.5 (MANE Select); coding-DNA position 2674, C replaced by T.
Protein change: p.Arg892Cys; replaces arginine 892 with cysteine.
Molecular consequence: missense variant.
Genome position (GRCh38, 1-based): chr17:75,742,381, C>T. VCF-style: chr17-75742381-C-T. GRCh37 (hg19) VCF-style: chr17-73738462-C-T.
Other names: c.2674C>T (NM_000213.4); c.2674C>T, p.Arg892Cys (NM_001005619.2, NM_001005731.3, NM_001321123.2); short protein forms R892C.
Identifiers: ClinVar variation 325166 (VCV000325166.15), dbSNP rs139933962, ClinGen allele CA8769542.

ClinVar aggregate classification (germline): Uncertain significance. Review status: criteria provided, multiple submitters, no conflicts (2 of 4 stars). 4 submissions from 4 submitters: Uncertain significance (4). Last evaluated 2025-04-01.

Conditions:
Junctional epidermolysis bullosa with pyloric atresia. Also called: Epidermolysis bullosa, junctional, with pyloric atresia and aplasia cutis congenita; Epidermolysis bullosa junctionalis with pyloric atresia; APLASIA CUTIS CONGENITA WITH GASTROINTESTINAL ATRESIA; CARMI SYNDROME; EB-PA-ACC; EPIDERMOLYSIS BULLOSA, JUNCTIONAL 5B, WITH PYLORIC ATRESIA. Identifiers: Orphanet 79403, MedGen C5676875, MONDO:0009183, OMIM 226730.
Epidermolysis bullosa, junctional 5A, intermediate. Also called: EPIDERMOLYSIS BULLOSA, JUNCTIONAL 5A, GENERALIZED INTERMEDIATE; EPIDERMOLYSIS BULLOSA, JUNCTIONAL 5A, NON-HERLITZ TYPE. Identifiers: MedGen C5676956, MONDO:0030768, OMIM 619816.
ITGB4-related disorder. Also called: ITGB4-related condition.

Allele frequency attached by ClinVar (database versions not stated): TOPMed 0.00021; gnomAD 0.00022; ESP Exome Variant Server 0.00038.
gnomAD v4.1: 459 of 1,613,284 alleles (0.028%); highest among the groups gnomAD compares: Non-Finnish European, 0.033%; no homozygotes.

Submissions (4):

CeGaT Center for Human Genetics Tuebingen
Classification: Uncertain significance. Last evaluated: 2025-04-01. Review status: criteria provided, single submitter. Criteria: CeGaT Center For Human Genetics Tuebingen Variant Classification Criteria Version 2. Collection method: clinical testing. Allele origin: germline. Affected: yes. Observed: 1 variant allele.
Comment: ITGB4: PM2

Fulgent Genetics
Classification: Uncertain significance for Junctional epidermolysis bullosa with pyloric atresia; Epidermolysis bullosa, junctional 5A, intermediate. Last evaluated: 2024-03-08. Review status: criteria provided, single submitter. Criteria: ACMG Guidelines, 2015. Collection method: clinical testing. Allele origin: germline.

PreventionGenetics, part of Exact Sciences
Classification: Uncertain significance for ITGB4-related condition. Last evaluated: 2022-12-29. Review status: criteria provided, single submitter. Criteria: ACMG Guidelines, 2015. Collection method: clinical testing. Allele origin: germline.
Comment: The ITGB4 c.2674C>T variant is predicted to result in the amino acid substitution p.Arg892Cys. To our knowledge, this variant has not been reported in the literature. This variant is reported in 0.024% of alleles in individuals of European (Non-Finnish) descent in gnomAD. At this time, the clinical significance of this variant is uncertain due to the absence of conclusive functional and genetic evidence.

Illumina Laboratory Services, Illumina
Classification: Uncertain significance for Junctional epidermolysis bullosa with pyloric atresia. Last evaluated: 2018-01-13. Review status: criteria provided, single submitter. Criteria: ICSL Variant Classification Criteria 13 December 2019. Collection method: clinical testing. Allele origin: germline.